The following is an entry in ClinVar:

ClinVar aggregate classification (germline): Uncertain significance. Review status: criteria provided, multiple submitters, no conflicts (2 of 4 stars). 3 submissions from 3 submitters: Uncertain significance (3). Last evaluated 2025-07-24.

Conditions:
Charcot-Marie-Tooth disease type 4. Also called: Charcot-Marie-Tooth disease, type IV; Charcot-Marie-Tooth, Type 4. Identifiers: Orphanet 64749, MedGen C4082197, MONDO:0018995.
Charcot-Marie-Tooth disease type 4H (CMT4H). Also called: CHARCOT-MARIE-TOOTH DISEASE, AUTOSOMAL RECESSIVE, TYPE 4H; CHARCOT-MARIE-TOOTH DISEASE, DEMYELINATING, AUTOSOMAL RECESSIVE, TYPE 4H; CHARCOT-MARIE-TOOTH NEUROPATHY, TYPE 4H; CHARCOT-MARIE-TOOTH DISEASE, DEMYELINATING, TYPE 4H. Identifiers: Orphanet 99954, MedGen C1836336, MONDO:0012250, OMIM 609311.

Allele frequency attached by ClinVar (database versions not stated): gnomAD 0.00001; TOPMed 0.00001; ExAC 0.00002.
gnomAD v4.1: 27 of 1,613,948 alleles (0.0017%); highest among the groups gnomAD compares: Non-Finnish European, 0.0021%; no homozygotes.

Submissions (3):

GeneDx
Classification: Uncertain significance. Last evaluated: 2025-07-24. Review status: criteria provided, single submitter. Criteria: GeneDx Variant Classification Process June 2021. Collection method: clinical testing. Allele origin: germline. Affected: yes.
Comment: Not observed at significant frequency in large population cohorts (gnomAD); In silico analysis suggests that this variant does not alter splicing; Has not been previously published as pathogenic or benign to our knowledge

Labcorp Genetics (formerly Invitae), Labcorp
Classification: Uncertain significance for Charcot-Marie-Tooth disease type 4. Last evaluated: 2022-06-29. Review status: criteria provided, single submitter. Criteria: Invitae Variant Classification Sherloc (09022015). Collection method: clinical testing. Allele origin: germline.
Comment: This sequence change falls in intron 7 of the FGD4 gene. It does not directly change the encoded amino acid sequence of the FGD4 protein. It affects a nucleotide within the consensus splice site. This variant is present in population databases (rs767855809, gnomAD 0.004%). This variant has not been reported in the literature in individuals affected with FGD4-related conditions. ClinVar contains an entry for this variant (Variation ID: 308291). Variants that disrupt the consensus splice site are a relatively common cause of aberrant splicing (PMID: 17576681, 9536098). Algorithms developed to predict the effect of sequence changes on RNA splicing suggest that this variant is not likely to affect RNA splicing. In summary, the available evidence is currently insufficient to determine the role of this variant in disease. Therefore, it has been classified as a Variant of Uncertain Significance.

Illumina Laboratory Services, Illumina
Classification: Uncertain significance for Charcot-Marie-Tooth disease type 4H. Last evaluated: 2018-01-13. Review status: criteria provided, single submitter. Criteria: ICSL Variant Classification Criteria 13 December 2019. Collection method: clinical testing. Allele origin: germline.

Literature cited by the submitters: PubMed 17576681 (cited by Labcorp Genetics (formerly Invitae), Labcorp); PubMed 9536098 (cited by Labcorp Genetics (formerly Invitae), Labcorp).

NM_001370298.3(FGD4):c.1404+4A>T

Gene: FGD4 (FYVE, RhoGEF and PH domain containing 4; plus strand). Cytogenetic location: 12p11.21.
Variant type: single nucleotide variant.
Coding change: c.1404+4A>T on transcript NM_001370298.3 (MANE Select); 4 bases into the intron after coding-DNA position 1404, A replaced by T.
Molecular consequence: intron variant.
Genome position (GRCh38, 1-based): chr12:32,602,321, A>T. VCF-style: chr12-32602321-A-T. GRCh37 (hg19) VCF-style: chr12-32755255-A-T.
Other names: c.1404+4A>T (NM_001384126.1); c.1248+4A>T (NM_001304481.2); c.714+4A>T (NM_001330374.2, NM_001330373.2, NM_001384130.1); c.993+4A>T (NM_139241.3, NM_001384127.1, NM_001385118.1 and 1 more transcripts); c.-59+4A>T (NM_001304484.2); c.441+4A>T (NM_001370297.1); c.249+4A>T (NM_001304483.2).
Identifiers: ClinVar variation 308291 (VCV000308291.12), dbSNP rs767855809, ClinGen allele CA6506763.